The following is an entry in ClinVar:

NM_007348.4(ATF6):c.88G>A (p.Ala30Thr)

Gene: ATF6 (activating transcription factor 6; plus strand). Cytogenetic location: 1q23.3.
Variant type: single nucleotide variant.
Coding change: c.88G>A on transcript NM_007348.4 (MANE Select); coding-DNA position 88, G replaced by A.
Protein change: p.Ala30Thr; replaces alanine 30 with threonine.
Molecular consequence: missense variant.
Genome position (GRCh38, 1-based): chr1:161,778,249, G>A. VCF-style: chr1-161778249-G-A. GRCh37 (hg19) VCF-style: chr1-161748039-G-A.
Other names: c.88G>A, p.Ala30Thr (NM_001410890.1); short protein forms A30T.
Identifiers: ClinVar variation 2134836 (VCV002134836.4), dbSNP rs2525108410, ClinGen allele CA343383870.

ClinVar aggregate classification (germline): Uncertain significance (1 of 4 stars; one submission).

Submission:

Labcorp Genetics (formerly Invitae), Labcorp
Classification: Uncertain significance. Last evaluated: 2022-10-05. Review status: criteria provided, single submitter. Criteria: Invitae Variant Classification Sherloc (09022015). Collection method: clinical testing. Allele origin: germline.
Comment: This sequence change replaces alanine, which is neutral and non-polar, with threonine, which is neutral and polar, at codon 30 of the ATF6 protein (p.Ala30Thr). In summary, the available evidence is currently insufficient to determine the role of this variant in disease. Therefore, it has been classified as a Variant of Uncertain Significance. Advanced modeling of protein sequence and biophysical properties (such as structural, functional, and spatial information, amino acid conservation, physicochemical variation, residue mobility, and thermodynamic stability) performed at Invitae indicates that this missense variant is not expected to disrupt ATF6 protein function. This variant has not been reported in the literature in individuals affected with ATF6-related conditions. This variant is not present in population databases (gnomAD no frequency).